The following is an entry in ClinVar:

NM_000059.4(BRCA2):c.2951A>C (p.Glu984Ala)

Gene: BRCA2 (BRCA2 DNA repair associated; plus strand). Cytogenetic location: 13q13.1.
Variant type: single nucleotide variant.
Coding change: c.2951A>C on transcript NM_000059.4 (MANE Select); coding-DNA position 2951, A replaced by C.
Protein change: p.Glu984Ala; replaces glutamic acid 984 with alanine.
Molecular consequence: missense variant. On other transcripts: non-coding transcript variant (1), intron variant (2).
Genome position (GRCh38, 1-based): chr13:32,337,306, A>C. VCF-style: chr13-32337306-A-C. GRCh37 (hg19) VCF-style: chr13-32911443-A-C.
Other names: c.2951A>C, p.Glu984Ala (NM_001406719.1, NM_001406720.1, NM_001432077.1); c.1909+3919A>C (NM_001406721.1); c.424+6276A>C (NM_001406722.1); short protein forms E984A.
Identifiers: ClinVar variation 4802291 (VCV004802291.1).
Genomic context (GRCh38, chr13:32,337,306, plus strand): 5'-AAATGACTCTAGGTCAAGATTTAAAATCGGACATCTCCTTGAATATAGATAAAATACCAG[A>C]AAAAAATAATGATTACATGAACAAATGGGCAGGACTCTTAGGTCCAATTTCAAATCACAG-3'
Protein context (NP_000050.3, residues 974-994): DISLNIDKIP[Glu984Ala]KNNDYMNKWA

ClinVar aggregate classification (germline): Uncertain significance (1 of 4 stars; one submission).

Conditions:
Hereditary breast ovarian cancer syndrome. Also called: Hereditary breast and ovarian cancer syndrome (HBOC); Hereditary breast and ovarian cancer; Breast and ovarian cancer; Hereditary breast and/or ovarian cancer syndrome; BRCA1- and BRCA2-Associated Hereditary Breast and Ovarian Cancer; Hereditary breast and ovarian cancer syndrome. Identifiers: Orphanet 145, MedGen C0677776, MeSH D061325, MONDO:0003582. Disease mechanism: loss of function.

Submission:

Labcorp Genetics (formerly Invitae), Labcorp
Classification: Uncertain significance for Hereditary breast ovarian cancer syndrome. Last evaluated: 2026-01-12. Review status: criteria provided, single submitter. Criteria: Invitae Variant Classification Sherloc (09022015). Collection method: clinical testing. Allele origin: germline.
Comment: This sequence change replaces glutamic acid, which is acidic and polar, with alanine, which is neutral and non-polar, at codon 984 of the BRCA2 protein (p.Glu984Ala). This variant is not present in population databases (gnomAD no frequency). This variant has not been reported in the literature in individuals affected with BRCA2-related conditions. Invitae Evidence Modeling of protein sequence and biophysical properties (such as structural, functional, and spatial information, amino acid conservation, physicochemical variation, residue mobility, and thermodynamic stability) indicates that this missense variant is not expected to disrupt BRCA2 protein function with a negative predictive value of 95%. In summary, the available evidence is currently insufficient to determine the role of this variant in disease. Therefore, it has been classified as a Variant of Uncertain Significance.